The following is an entry in ClinVar:

NM_000091.5(COL4A3):c.3383G>T (p.Gly1128Val)

Genes: MFF-DT (MFF divergent transcript; minus strand), COL4A3 (collagen type IV alpha 3 chain; plus strand). Cytogenetic location: 2q36.3.
Variant type: single nucleotide variant.
Coding change: c.3383G>T on transcript NM_000091.5 (MANE Select); coding-DNA position 3383, G replaced by T.
Protein change: p.Gly1128Val; replaces glycine 1128 with valine.
Molecular consequence: missense variant.
Genome position (GRCh38, 1-based): chr2:227,294,535, G>T. VCF-style: chr2-227294535-G-T. GRCh37 (hg19) VCF-style: chr2-228159251-G-T.
Other names: short protein forms G1128V.
Identifiers: ClinVar variation 4817252 (VCV004817252.1).

ClinVar aggregate classification (germline): Likely pathogenic (1 of 4 stars; one submission).

Conditions:
Alport syndrome. Also called: Hemorrhagic familial nephritis; Hemorrhagic hereditary nephritis; Congenital hereditary hematuria. Identifiers: Orphanet 63, MedGen C1567741, MONDO:0018965.

Submission:

Natera, Inc.
Classification: Likely pathogenic for Alport syndrome. Last evaluated: 2025-08-29. Review status: criteria provided, single submitter. Criteria: Natera Variant Classification Schema (03/2026). Collection method: clinical testing. Allele origin: germline.
Comment: The c.3383G>T variant in COL4A3 is a missense variant predicted to cause substitution of glycine to valine at amino acid 1128. This variant is rare in the general population with a frequency below the threshold expected for the associated phenotype(s). This variant is located in a functionally critical region of the protein. Computational prediction algorithms indicate this variant is likely to affect gene or protein function. Given the available evidence, this variant is classified as Likely Pathogenic.